The following is an entry in ClinVar:

ClinVar aggregate classification (germline): Uncertain significance (1 of 4 stars; one submission).

Conditions:
Hearing loss, autosomal dominant 75. Also called: DEAFNESS, AUTOSOMAL DOMINANT 75. Identifiers: MedGen C5394059, MONDO:0032911, OMIM 618778.
Developmental delay with or without dysmorphic facies and autism. Identifiers: MedGen C5193106, MONDO:0032760, OMIM 618454.

Submission:

Juno Genomics, Hangzhou Juno Genomics, Inc
Classification: Uncertain significance for Hearing loss, autosomal dominant 75; Developmental delay with or without dysmorphic facies and autism. Review status: criteria provided, single submitter. Criteria: ACMG Guidelines, 2015. Collection method: clinical testing. Allele origin: germline.
Comment: Absent from controls (or at extremely low frequency if recessive) in Genome Aggregation Database.;Missense variant in a gene that has a low rate of benign missense variation.;Multiple lines of computational evidence suggest no impact on gene or gene product.

NM_001375524.1(TRRAP):c.7674C>G (p.Asn2558Lys)

Gene: TRRAP (transformation/transcription domain associated protein; plus strand). Cytogenetic location: 7q22.1.
Variant type: single nucleotide variant.
Coding change: c.7674C>G on transcript NM_001375524.1 (MANE Select); coding-DNA position 7674, C replaced by G.
Protein change: p.Asn2558Lys; replaces asparagine 2558 with lysine.
Molecular consequence: missense variant.
Genome position (GRCh38, 1-based): chr7:98,970,273, C>G. VCF-style: chr7-98970273-C-G. GRCh37 (hg19) VCF-style: chr7-98567896-C-G.
Other names: c.7653C>G, p.Asn2551Lys (NM_001244580.2); c.7599C>G, p.Asn2533Lys (NM_003496.4); short protein forms N2533K, N2551K, N2558K.
Identifiers: ClinVar variation 5019411 (VCV005019411.2).